The following is an entry in ClinVar:

NM_000434.4(NEU1):c.803A>G (p.Tyr268Cys)

Gene: NEU1 (neuraminidase 1; minus strand). Cytogenetic location: 6p21.33.
Variant type: single nucleotide variant.
Coding change: c.803A>G on transcript NM_000434.4 (MANE Select); coding-DNA position 803, A replaced by G.
Protein change: p.Tyr268Cys; replaces tyrosine 268 with cysteine.
Molecular consequence: missense variant.
Genome position (GRCh38, 1-based): chr6:31,860,260, T>C on the plus strand (A>G on the coding strand, the complement: NEU1 is on the minus strand). VCF-style: chr6-31860260-T-C. GRCh37 (hg19) VCF-style: chr6-31828037-T-C.
Other names: short protein forms Y268C.
Identifiers: ClinVar variation 2136370 (VCV002136370.4), dbSNP rs200845843, ClinGen allele CA3724943.
Genomic context (GRCh38, chr6:31,860,260, plus strand): 5'-TGGCAGTGGTAGTTGTTCTGGTTTCGGGCATTGATGACGACTGAGCCATCTGGGAGCTCA[T>C]AGGGCTGAGGGGAGAGGACAGGACCTCAGGGAGGGAACAGGGAAAATGCCCTGTCCCCGA-3'
Protein context (NP_000425.1, residues 258-278): NDFNPDECQP[Tyr268Cys]ELPDGSVVIN

ClinVar aggregate classification (germline): Likely pathogenic. Review status: criteria provided, multiple submitters, no conflicts (2 of 4 stars). 2 submissions from 2 submitters: Likely pathogenic (2). Last evaluated 2026-01-19.

Conditions:
NEU1-related disorders.

Allele frequency attached by ClinVar (database versions not stated): gnomAD exomes below 0.00001; ExAC 0.00001; gnomAD 0.00003; TOPMed 0.00003.

Submissions (2):

Labcorp Genetics (formerly Invitae), Labcorp
Classification: Likely pathogenic. Last evaluated: 2026-01-19. Review status: criteria provided, single submitter. Criteria: Invitae Variant Classification Sherloc (09022015). Collection method: clinical testing. Allele origin: germline.
Comment: This sequence change replaces tyrosine, which is neutral and polar, with cysteine, which is neutral and slightly polar, at codon 268 of the NEU1 protein (p.Tyr268Cys). This variant is present in population databases (rs200845843, gnomAD 0.007%). This missense change has been observed in individual(s) with clinical features of sialidosis type 1 (PMID: 27942463, 32472645, 33144682, 37167833). In at least one individual the data is consistent with being in trans (on the opposite chromosome) from a pathogenic variant. ClinVar contains an entry for this variant (Variation ID: 2136370). Invitae Evidence Modeling of protein sequence and biophysical properties (such as structural, functional, and spatial information, amino acid conservation, physicochemical variation, residue mobility, and thermodynamic stability) indicates that this missense variant is not expected to disrupt NEU1 protein function with a negative predictive value of 80%. In summary, the currently available evidence indicates that the variant is pathogenic, but additional data are needed to prove that conclusively. Therefore, this variant has been classified as Likely Pathogenic.

Blueprint Genetics
Classification: Likely pathogenic for NEU1-related disorders. Last evaluated: 2021-08-11. Review status: criteria provided, single submitter. Criteria: ACMG Guidelines, 2015. Collection method: clinical testing. Allele origin: germline. Affected: yes. Observed: 1 variant allele.

Literature cited by the submitters: PubMed 27942463 (cited by Labcorp Genetics (formerly Invitae), Labcorp); PubMed 32472645 (cited by Labcorp Genetics (formerly Invitae), Labcorp); PubMed 33144682 (cited by Labcorp Genetics (formerly Invitae), Labcorp); PubMed 37167833 (cited by Labcorp Genetics (formerly Invitae), Labcorp).